The following is an entry in ClinVar:

NM_001039591.3(USP9X):c.1106C>G (p.Thr369Ser)

Gene: USP9X (ubiquitin specific peptidase 9 X-linked; plus strand). Cytogenetic location: Xp11.4.
Variant type: single nucleotide variant.
Coding change: c.1106C>G on transcript NM_001039591.3 (MANE Select); coding-DNA position 1106, C replaced by G.
Protein change: p.Thr369Ser; replaces threonine 369 with serine.
Molecular consequence: missense variant.
Genome position (GRCh38, 1-based): chrX:41,141,376, C>G. VCF-style: chrX-41141376-C-G. GRCh37 (hg19) VCF-style: chrX-41000629-C-G.
Other names: c.1106C>G, p.Thr369Ser (NM_001039590.3, NM_001410748.1, NM_001410749.1); short protein forms T369S.
Identifiers: ClinVar variation 3377436 (VCV003377436.1).
Genomic context (GRCh38, chrX:41,141,376, plus strand): 5'-ATGGAAAGATGAATGCACTGAATGAAGTTAATAAGGTGATATCTAGTGTATCATACTATA[C>G]TCATCGACATGGTAATCCTGAGGAGGAAGAGTGGCTCACAGCTGAACGAATGGCAGTGAG-3'
Protein context (NP_001034680.2, residues 359-379): NKVISSVSYY[Thr369Ser]HRHGNPEEEE

ClinVar aggregate classification (germline): Uncertain significance (1 of 4 stars; one submission).

Conditions:
Intellectual developmental disorder, X-linked 99. Also called: Intellectual disability, X-linked 99. Identifiers: Orphanet 777, MedGen C3806746, MONDO:0010487, OMIM 300919.

Submission:

Victorian Clinical Genetics Services, Murdoch Childrens Research Institute
Classification: Uncertain significance for Intellectual developmental disorder, X-linked 99. Last evaluated: 2022-02-02. Review status: criteria provided, single submitter. Criteria: ACMG Guidelines, 2015. Collection method: clinical testing. Allele origin: germline. Affected: yes.
Comment: Based on the classification scheme VCGS_Germline_v1.3.4, this variant is classified as VUS-3B. Following criteria are met: 0102 - Loss of function is a known mechanism of disease in this gene and is associated with X-linked intellectual disability 99 (MIM#300919) and X-linked intellectual disability 99, syndromic, female restricted (MIM#300968). (I) 0108 - This gene is associated with both X-linked recessive and X-linked dominant disease. Partial loss of function missense variants result in X-linked recessive disease, affecting predominantly males. Variants resulting in a premature termination codon or a more complete loss of function are restricted to females in an X-linked dominant pattern of inheritance (PMID: 31443933, PMID: 26833328). (I) 0200 - Variant is predicted to result in a missense amino acid change from threonine to serine. (I) 0253 - This variant is hemizygous. (I) 0301 - Variant is absent from gnomAD (both v2 and v3). (SP) 0503 - Missense variant consistently predicted to be tolerated by multiple in silico tools or not conserved in placental mammals with a minor amino acid change. (SB) 0603 - Missense variant in a region that is highly intolerant to missense variation (high constraint region in DECIPHER). (SP) 0705 - No comparable missense variants have previous evidence for pathogenicity. (I) 0807 - This variant has no previous evidence of pathogenicity. (I) 0905 - No published segregation evidence has been identified for this variant. (I) 1007 - No published functional evidence has been identified for this variant. (I) Legend: (SP) - Supporting pathogenic, (I) - Information, (SB) - Supporting benign

Literature cited by the submitters: PubMed 26833328; PubMed 31443933.